The following is an entry in ClinVar:

ClinVar aggregate classification (germline): Conflicting classifications of pathogenicity. Review status: criteria provided, conflicting classifications (1 of 4 stars). 3 submissions from 3 submitters: Uncertain significance (2); Likely benign (1). Last evaluated 2025-10-27.

Conditions:
Left ventricular noncompaction 8 (LVNC8). Identifiers: Orphanet 154, Orphanet 54260, MedGen C3809288, MONDO:0014152, OMIM 615373.

gnomAD v4.1: 21 of 1,613,830 alleles (0.0013%); highest among the groups gnomAD compares: East Asian, 0.0022%; no homozygotes.

Submissions (3):

Labcorp Genetics (formerly Invitae), Labcorp
Classification: Uncertain significance for Left ventricular noncompaction 8. Last evaluated: 2025-10-27. Review status: criteria provided, single submitter. Criteria: Invitae Variant Classification Sherloc (09022015). Collection method: clinical testing. Allele origin: germline.
Comment: This sequence change replaces alanine, which is neutral and non-polar, with threonine, which is neutral and polar, at codon 1256 of the PRDM16 protein (p.Ala1256Thr). This variant is present in population databases (rs750388478, gnomAD 0.006%). This variant has not been reported in the literature in individuals affected with PRDM16-related conditions. ClinVar contains an entry for this variant (Variation ID: 3337495). An algorithm developed to predict the effect of missense changes on protein structure and function outputs the following: PolyPhen-2: "Benign". The threonine amino acid residue is found in multiple mammalian species, which suggests that this missense change does not adversely affect protein function. In summary, the available evidence is currently insufficient to determine the role of this variant in disease. Therefore, it has been classified as a Variant of Uncertain Significance.

Blueprint Genetics
Classification: Likely benign. Last evaluated: 2023-12-01. Review status: criteria provided, single submitter. Criteria: ACMG Guidelines, 2015. Collection method: clinical testing. Allele origin: germline.

Clinical Genetics Laboratory, Skane University Hospital Lund
Classification: Uncertain significance. Last evaluated: 2022-05-27. Review status: criteria provided, single submitter. Criteria: ACMG Guidelines, 2015. Collection method: clinical testing. Allele origin: germline. Affected: yes.

NM_022114.4(PRDM16):c.3766G>A (p.Ala1256Thr)

Gene: PRDM16 (PR/SET domain 16; plus strand). Cytogenetic location: 1p36.32.
Variant type: single nucleotide variant.
Coding change: c.3766G>A on transcript NM_022114.4 (MANE Select); coding-DNA position 3766, G replaced by A.
Protein change: p.Ala1256Thr; replaces alanine 1256 with threonine.
Molecular consequence: missense variant.
Genome position (GRCh38, 1-based): chr1:3,433,746, G>A. VCF-style: chr1-3433746-G-A. GRCh37 (hg19) VCF-style: chr1-3350310-G-A.
Other names: c.3709G>A, p.Ala1237Thr (NM_199454.3); short protein forms A1237T, A1256T.
Identifiers: ClinVar variation 3337495 (VCV003337495.3).